The following is an entry in ClinVar:

ClinVar aggregate classification (germline): Uncertain significance (1 of 4 stars; one submission).

Conditions:
Inborn genetic diseases. Identifiers: MedGen C0950123, MeSH D030342.

Submission:

Ambry Genetics
Classification: Uncertain significance for Inborn genetic diseases. Last evaluated: 2024-12-22. Review status: criteria provided, single submitter. Criteria: Ambry Variant Classification Scheme 2023. Collection method: clinical testing. Allele origin: germline.
Comment: The p.R521K variant (also known as c.1562G>A), located in coding exon 10 of the ERCC6L2 gene, results from a G to A substitution at nucleotide position 1562. The arginine at codon 521 is replaced by lysine, an amino acid with highly similar properties. This amino acid position is conserved. In addition, this alteration is predicted to be tolerated by in silico analysis. Based on the available evidence, the clinical significance of this variant remains unclear.

NM_020207.7(ERCC6L2):c.1562G>A (p.Arg521Lys)

Gene: ERCC6L2 (ERCC excision repair 6 like 2; plus strand). Cytogenetic location: 9q22.32.
Variant type: single nucleotide variant.
Coding change: c.1562G>A on transcript NM_020207.7 (MANE Select); coding-DNA position 1562, G replaced by A.
Protein change: p.Arg521Lys; replaces arginine 521 with lysine.
Molecular consequence: missense variant. On other transcripts: non-coding transcript variant (1).
Genome position (GRCh38, 1-based): chr9:95,928,107, G>A. VCF-style: chr9-95928107-G-A. GRCh37 (hg19) VCF-style: chr9-98690389-G-A.
Other names: c.1562G>A, p.Arg521Lys (NM_001010895.4, NM_001375291.1, NM_001375292.1 and 2 more transcripts); short protein forms R521K.
Identifiers: ClinVar variation 3845818 (VCV003845818.1).